The following is an entry in ClinVar:

ClinVar aggregate classification (germline): Uncertain significance (1 of 4 stars; one submission).

Conditions:
Neurodevelopmental disorder. Identifiers: MedGen C1535926, MeSH D065886, MONDO:0700092.

Submission:

Broad Center for Mendelian Genomics, Broad Institute of MIT and Harvard
Classification: Uncertain significance for Neurodevelopmental disorder. Last evaluated: 2024-03-12. Review status: criteria provided, single submitter. Criteria: ACMG Guidelines, 2015. Collection method: curation. Allele origin: germline. Inheritance: Autosomal dominant inheritance.
Comment: Trio genome analysis showed this variant to be de novo. We believe this is a possible phenotype expansion for WDR5-associated disorders. The c.354+2dupT variant in WDR5 has not been previously reported in individuals with neurodevelopmental disease. This variant was absent from large population studies. This variant is located in the 5' splice region. Computational tools predict a splicing impact, though this information is not predictive enough to determine pathogenicity. It is of note that loss of function of WDR5 in an autosomal dominant disease has not yet been established based on the criteria laid out in Tayoun et al., 2018 (PMID: 30192042). In summary, while there is some suspicion for a pathogenic role, the clinical significance of this variant is uncertain. ACMG/AMP Criteria applied: PVS1_Supporting, PS2_Supporting, PM2_Supporting (Richards 2015).

Literature cited by the submitters: PubMed 39033378.

NM_017588.3(WDR5):c.354+2dup

Gene: WDR5 (WD repeat domain 5; plus strand). Cytogenetic location: 9q34.2.
Variant type: Duplication.
Coding change: c.354+2dup on transcript NM_017588.3 (MANE Select); the canonical splice donor site of the intron after coding-DNA position 354, one base duplicated (T; older notation c.354+2dupT).
Molecular consequence: splice donor variant. On other transcripts: intron variant (1).
Genome position (GRCh38, 1-based): chr9:134,142,040, T duplicated. VCF-style (leftmost placement, unchanged base first): chr9-134142039-G-GT. GRCh37 (hg19) VCF-style: chr9-137007161-G-GT.
Other names: NM_052821.4:c.354+2dup; c.354+2dup (NM_001384414.1, NM_001384413.1, NM_001384410.1 and 6 more transcripts); c.225+2dup (NM_001384418.1, NM_001384419.1); c.345+11dup (NM_001384417.1).
Identifiers: ClinVar variation 3061809 (VCV003061809.1), dbSNP rs2539673713, ClinGen allele CA2567748385.
Genomic context (GRCh38, chr9:134,142,039, plus strand): 5'-TCTAACCTTCTTGTTTCTGCCTCAGATGACAAAACCTTGAAGATATGGGACGTGAGCTCG[G>GT]TAAGTGACACTCAGTGCTTCTCTCCAGGGGAGACCGGCTGCAGGGCACGGGGCAGGTGCG-3'